The following is an entry in ClinVar:

ClinVar aggregate classification (germline): Uncertain significance. Review status: criteria provided, multiple submitters, no conflicts (2 of 4 stars). 2 submissions from 2 submitters: Uncertain significance (2). Last evaluated 2026-04-23.

Conditions:
PTPRS-related disorder. Also called: PTPRS-related condition.

Allele frequency attached by ClinVar (database versions not stated): ExAC 0.00002; gnomAD 0.00004; TOPMed 0.00005; gnomAD exomes 0.00006; ESP Exome Variant Server 0.00008.
gnomAD v4.1: 99 of 1,613,918 alleles (0.0061%); highest among the groups gnomAD compares: Non-Finnish European, 0.0075%; no homozygotes.

Submissions (2):

PreventionGenetics, part of Exact Sciences
Classification: Uncertain significance for PTPRS-related condition. Last evaluated: 2026-04-23. Review status: criteria provided, single submitter. Criteria: ACMG Guidelines, 2015. Collection method: clinical testing. Allele origin: germline.
Comment: The PTPRS c.3985G>A variant is predicted to result in the amino acid substitution p.Asp1329Asn. To our knowledge, this variant has not been reported in the literature. This variant is reported in 0.0053% of alleles in individuals of European (Non-Finnish) descent in gnomAD. At this time, the clinical significance of this variant is uncertain due to the absence of conclusive functional and genetic evidence.

Ambry Genetics
Classification: Uncertain significance. Last evaluated: 2024-01-04. Review status: criteria provided, single submitter. Criteria: Ambry Variant Classification Scheme 2023. Collection method: clinical testing. Allele origin: germline.

NM_002850.4(PTPRS):c.3985G>A (p.Asp1329Asn)

Gene: PTPRS (protein tyrosine phosphatase receptor type S; minus strand). Cytogenetic location: 19p13.3.
Variant type: single nucleotide variant.
Coding change: c.3985G>A on transcript NM_002850.4 (MANE Select); coding-DNA position 3985, G replaced by A.
Protein change: p.Asp1329Asn; replaces aspartic acid 1329 with asparagine.
Molecular consequence: missense variant.
Genome position (GRCh38, 1-based): chr19:5,218,483, C>T on the plus strand (G>A on the coding strand, the complement: PTPRS is on the minus strand). VCF-style: chr19-5218483-C-T. GRCh37 (hg19) VCF-style: chr19-5218494-C-T.
Other names: c.2692G>A, p.Asp898Asn (NM_130853.3); c.3919G>A, p.Asp1307Asn (NM_130854.3, NM_001394011.1); c.2704G>A, p.Asp902Asn (NM_130855.3); c.3946G>A, p.Asp1316Asn (NM_001394012.1); c.3907G>A, p.Asp1303Asn (NM_001394013.1); short protein forms D1303N, D1316N, D898N, D1307N, D1329N, D902N.
Identifiers: ClinVar variation 3149609 (VCV003149609.2), dbSNP rs370332631, ClinGen allele CA9109331.
Genomic context (GRCh38, chr19:5,218,483, plus strand): 5'-GAGTCTGGAAGTTAATGCGTCTCATTTCCACAGGGTCCTTGGGGTGGTGAGGGGCGAGGT[C>T]GGCATTGTTCAGGAGGCATTTGGTGCGGGGTTCTGAGTCCTTGCGTTTACTTTAGGAGAA-3'
Protein context (NP_002841.3, residues 1319-1339): PRTKCLLNNA[Asp1329Asn]LAPHHPKDPV